The following is an entry in ClinVar:

NM_018489.3(ASH1L):c.322T>C (p.Cys108Arg)

Gene: ASH1L (ASH1 like histone lysine methyltransferase; minus strand). Cytogenetic location: 1q22.
Variant type: single nucleotide variant.
Coding change: c.322T>C on transcript NM_018489.3 (MANE Select); coding-DNA position 322, T replaced by C.
Protein change: p.Cys108Arg; replaces cysteine 108 with arginine.
Molecular consequence: missense variant.
Genome position (GRCh38, 1-based): chr1:155,521,198, A>G on the plus strand (T>C on the coding strand, the complement: ASH1L is on the minus strand). VCF-style: chr1-155521198-A-G. GRCh37 (hg19) VCF-style: chr1-155490989-A-G.
Other names: c.322T>C, p.Cys108Arg (NM_001366177.2); short protein forms C108R.
Identifiers: ClinVar variation 1317196 (VCV001317196.2), dbSNP rs2148843074, ClinGen allele CA342713647.

ClinVar aggregate classification (germline): Uncertain significance (1 of 4 stars; one submission).

Submission:

GeneDx
Classification: Uncertain significance. Last evaluated: 2019-07-01. Review status: criteria provided, single submitter. Criteria: GeneDx Variant Classification Process June 2021. Collection method: clinical testing. Allele origin: germline. Affected: yes.
Comment: Not observed in large population cohorts (Lek et al., 2016); In silico analysis, which includes protein predictors and evolutionary conservation, supports a deleterious effect; Has not been previously published as pathogenic or benign to our knowledge